The following is an entry in ClinVar:

ClinVar aggregate classification (germline): Uncertain significance (1 of 4 stars; one submission).

gnomAD v4.1: 1 of 1,612,704 alleles (0.000062%); highest among the groups gnomAD compares: Non-Finnish European, 0.000085%; no homozygotes.

Submission:

Labcorp Genetics (formerly Invitae), Labcorp
Classification: Uncertain significance. Last evaluated: 2023-12-24. Review status: criteria provided, single submitter. Criteria: Invitae Variant Classification Sherloc (09022015). Collection method: clinical testing. Allele origin: germline.
Comment: This sequence change replaces aspartic acid, which is acidic and polar, with glycine, which is neutral and non-polar, at codon 20 of the ITGAM protein (p.Asp20Gly). This variant is not present in population databases (gnomAD no frequency). This variant has not been reported in the literature in individuals affected with ITGAM-related conditions. ClinVar contains an entry for this variant (Variation ID: 1378132). An algorithm developed to predict the effect of missense changes on protein structure and function (PolyPhen-2) suggests that this variant is likely to be disruptive. In summary, the available evidence is currently insufficient to determine the role of this variant in disease. Therefore, it has been classified as a Variant of Uncertain Significance.

NM_000632.4(ITGAM):c.59A>G (p.Asp20Gly)

Gene: ITGAM (integrin subunit alpha M; plus strand). Cytogenetic location: 16p11.2.
Variant type: single nucleotide variant.
Coding change: c.59A>G on transcript NM_000632.4 (MANE Select); coding-DNA position 59, A replaced by G.
Protein change: p.Asp20Gly; replaces aspartic acid 20 with glycine.
Molecular consequence: missense variant.
Genome position (GRCh38, 1-based): chr16:31,261,722, A>G. VCF-style: chr16-31261722-A-G. GRCh37 (hg19) VCF-style: chr16-31273043-A-G.
Other names: c.59A>G, p.Asp20Gly (NM_001145808.2); short protein forms D20G.
Identifiers: ClinVar variation 1378132 (VCV001378132.6), dbSNP rs2144242588, ClinGen allele CA395679675.